The following is an entry in ClinVar:

NC_012920.1(MT-ND5):m.12967A>G

Gene: MT-ND5 (mitochondrially encoded NADH dehydrogenase 5; plus strand).
Variant type: single nucleotide variant.
Genome position: chrM-12967-A-G.
Identifiers: ClinVar variation 693508 (VCV000693508.1), dbSNP rs1556424197, ClinGen allele CA414815717.

ClinVar aggregate classification (germline): Benign (1 of 4 stars; one submission).

Conditions:
Leigh syndrome (NULS). Also called: Leigh's necrotizing encephalopathy; Leigh's disease; Leigh Syndrome (mtDNA deletion); Leigh Disease; Subacute necrotizing encephalopathy; Necrotizing encephalopathy infantile subacute of Leigh. Identifiers: Orphanet 506, MedGen C2931891, MONDO:0009723, OMIM 256000.

Submission:

Wong Mito Lab, Molecular and Human Genetics, Baylor College of Medicine
Classification: Benign for Leigh syndrome. Last evaluated: 2019-10-17. Review status: criteria provided, single submitter. Criteria: Modified ACMG Guidelines (Unpublished). Collection method: clinical testing. Allele origin: germline.
Comment: The NC_012920.1:m.12967A>G (YP_003024036.1:p.Thr211Ala) variant in MTND5 gene is interpretated to be a Benign variant based on the modified ACMG guidelines (unpublished). This variant meets the following evidence codes: BS1, BS2, BP4